The following is an entry in ClinVar:

ClinVar aggregate classification (germline): Uncertain significance. Review status: criteria provided, multiple submitters, no conflicts (2 of 4 stars). 2 submissions from 2 submitters: Uncertain significance (2). Last evaluated 2026-08-08.

Conditions:
BAP1-related tumor predisposition syndrome (TPDS1). Also called: Tumor susceptibility linked to germline BAP1 mutations; COMMON Syndrome; TUMOR PREDISPOSITION SYNDROME 1; BAP1 tumor predisposition syndrome. Identifiers: Orphanet 289539, MedGen C3280492, MONDO:0013692, OMIM 614327.
Hereditary cancer-predisposing syndrome. Also called: Hereditary neoplastic syndrome; Neoplastic Syndromes, Hereditary; Tumor predisposition; Hereditary Cancer Syndrome. Identifiers: Orphanet 140162, MedGen C0027672, MeSH D009386, MONDO:0015356.

Submissions (2):

Ambry Genetics
Classification: Uncertain significance for Hereditary cancer-predisposing syndrome. Last evaluated: 2026-08-08. Review status: criteria provided, single submitter. Criteria: Ambry Variant Classification Scheme 2023. Collection method: clinical testing. Allele origin: germline.
Comment: The p.A574P variant (also known as c.1720G>C), located in coding exon 13 of the BAP1 gene, results from a G to C substitution at nucleotide position 1720. The alanine at codon 574 is replaced by proline, an amino acid with highly similar properties. This amino acid position is conserved. In addition, this alteration is predicted to be tolerated by in silico analysis. Based on the available evidence, the clinical significance of this variant remains unclear.

Labcorp Genetics (formerly Invitae), Labcorp
Classification: Uncertain significance for BAP1-related tumor predisposition syndrome. Last evaluated: 2025-09-07. Review status: criteria provided, single submitter. Criteria: Invitae Variant Classification Sherloc (09022015). Collection method: clinical testing. Allele origin: germline.
Comment: This sequence change replaces alanine, which is neutral and non-polar, with proline, which is neutral and non-polar, at codon 574 of the BAP1 protein (p.Ala574Pro). This variant is not present in population databases (gnomAD no frequency). This variant has not been reported in the literature in individuals affected with BAP1-related conditions. ClinVar contains an entry for this variant (Variation ID: 1962906). Invitae Evidence Modeling of protein sequence and biophysical properties (such as structural, functional, and spatial information, amino acid conservation, physicochemical variation, residue mobility, and thermodynamic stability) indicates that this missense variant is not expected to disrupt BAP1 protein function with a negative predictive value of 80%. In summary, the available evidence is currently insufficient to determine the role of this variant in disease. Therefore, it has been classified as a Variant of Uncertain Significance.

NM_004656.4(BAP1):c.1720G>C (p.Ala574Pro)

Gene: BAP1 (BRCA1 associated deubiquitinase 1; minus strand). Cytogenetic location: 3p21.1.
Variant type: single nucleotide variant.
Coding change: c.1720G>C on transcript NM_004656.4 (MANE Select); coding-DNA position 1720, G replaced by C.
Protein change: p.Ala574Pro; replaces alanine 574 with proline.
Molecular consequence: missense variant.
Genome position (GRCh38, 1-based): chr3:52,403,425, C>G on the plus strand (G>C on the coding strand, the complement: BAP1 is on the minus strand). VCF-style: chr3-52403425-C-G. GRCh37 (hg19) VCF-style: chr3-52437441-C-G.
Other names: c.1666G>C, p.Ala556Pro (NM_001410772.1); short protein forms A574P, A556P.
Identifiers: ClinVar variation 1962906 (VCV001962906.6), dbSNP rs1559586402, ClinGen allele CA353099565.